The following is an entry in ClinVar:

NM_004360.5(CDH1):c.936T>C (p.Pro312=)

Gene: CDH1 (cadherin 1; plus strand). Cytogenetic location: 16q22.1.
Variant type: single nucleotide variant.
Coding change: c.936T>C on transcript NM_004360.5 (MANE Select); coding-DNA position 936, T replaced by C.
Protein change: p.Pro312=; no amino-acid change (proline 312 retained).
Molecular consequence: synonymous variant. On other transcripts: 5 prime UTR variant (2).
Genome position (GRCh38, 1-based): chr16:68,811,787, T>C. VCF-style: chr16-68811787-T-C. GRCh37 (hg19) VCF-style: chr16-68845690-T-C.
Other names: c.936T>C, p.Pro312= (NM_001317184.2); c.-680T>C (NM_001317185.2); c.-884T>C (NM_001317186.2).
Identifiers: ClinVar variation 3378448 (VCV003378448.4).

ClinVar aggregate classification (germline): Benign/Likely benign. Review status: criteria provided, multiple submitters, no conflicts (2 of 4 stars). 3 submissions from 3 submitters: Benign (1); Likely benign (2). Last evaluated 2026-06-09.

Conditions:
Hereditary cancer-predisposing syndrome. Also called: Neoplastic Syndromes, Hereditary; Tumor predisposition; Hereditary Cancer Syndrome; Hereditary neoplastic syndrome. Identifiers: Orphanet 140162, MedGen C0027672, MeSH D009386, MONDO:0015356.
Hereditary diffuse gastric adenocarcinoma (HDGC). Also called: DIFFUSE GASTRIC AND LOBULAR BREAST CANCER SYNDROME. Identifiers: Orphanet 26106, MedGen C1708349, MONDO:0007648, OMIM 137215.

Submissions (3):

Ambry Genetics
Classification: Likely benign for Hereditary cancer-predisposing syndrome. Last evaluated: 2026-06-09. Review status: criteria provided, single submitter. Criteria: Ambry Variant Classification Scheme 2023. Collection method: clinical testing. Allele origin: germline.

Myriad Genetics, Inc.
Classification: Benign for Hereditary diffuse gastric adenocarcinoma. Last evaluated: 2024-09-17. Review status: criteria provided, single submitter. Criteria: Myriad Autosomal Dominant, Autosomal Recessive and X-Linked Classification Criteria (2023). Collection method: clinical testing. Allele origin: unknown.
Comment: This variant is considered benign. This variant is a silent/synonymous amino acid change and it is not expected to impact splicing.

Labcorp Genetics (formerly Invitae), Labcorp
Classification: Likely benign for Hereditary diffuse gastric adenocarcinoma. Last evaluated: 2024-03-03. Review status: criteria provided, single submitter. Criteria: Invitae Variant Classification Sherloc (09022015). Collection method: clinical testing. Allele origin: germline.